The following is an entry in ClinVar:

NM_001903.5(CTNNA1):c.963C>T (p.Asp321=)

Gene: CTNNA1 (catenin alpha 1; plus strand). Cytogenetic location: 5q31.2.
Variant type: single nucleotide variant.
Coding change: c.963C>T on transcript NM_001903.5 (MANE Select); coding-DNA position 963, C replaced by T.
Protein change: p.Asp321=; no amino-acid change (aspartic acid 321 retained).
Molecular consequence: synonymous variant.
Genome position (GRCh38, 1-based): chr5:138,827,619, C>T. VCF-style: chr5-138827619-C-T. GRCh37 (hg19) VCF-style: chr5-138163308-C-T.
Other names: c.963C>T, p.Asp321= (NM_001290307.3, NM_001323982.2, NM_001323983.1 and 3 more transcripts); c.654C>T, p.Asp218= (NM_001290309.3); c.594C>T, p.Asp198= (NM_001290310.3).
Identifiers: ClinVar variation 696062 (VCV000696062.25), dbSNP rs61736922, ClinGen allele CA3431597.

ClinVar aggregate classification (germline): Benign/Likely benign. Review status: criteria provided, multiple submitters, no conflicts (2 of 4 stars). 6 submissions from 6 submitters: Benign (3); Likely benign (3). Last evaluated 2026-02-04.

Conditions:
Hereditary nonpolyposis colon cancer (HNPCC). Also called: Hereditary Nonpolyposis Colorectal Cancer Syndrome; Hereditary nonpolyposis colorectal cancer; Familial nonpolyposis colon cancer. Identifiers: Orphanet 443909, MedGen C1333990, MONDO:0018630. Disease mechanism: loss of function.
Hereditary cancer-predisposing syndrome. Also called: Neoplastic Syndromes, Hereditary; Tumor predisposition; Hereditary neoplastic syndrome; Hereditary Cancer Syndrome. Identifiers: Orphanet 140162, MedGen C0027672, MeSH D009386, MONDO:0015356.
Hereditary diffuse gastric adenocarcinoma (HDGC). Also called: DIFFUSE GASTRIC AND LOBULAR BREAST CANCER SYNDROME. Identifiers: Orphanet 26106, MedGen C1708349, MONDO:0007648, OMIM 137215.

Allele frequency attached by ClinVar (database versions not stated): gnomAD exomes 0.00007 and 0.00020; ExAC 0.00030; gnomAD 0.00063 and 0.00073; TOPMed 0.00075; ESP Exome Variant Server 0.00092; 1000 Genomes Project 0.00120; 1000 Genomes Project 30x 0.00125.
gnomAD v4.1: 196 of 1,614,230 alleles (0.012%); highest among the groups gnomAD compares: African/African-American, 0.24%; no homozygotes.

Submissions (6):

Labcorp Genetics (formerly Invitae), Labcorp
Classification: Benign. Last evaluated: 2026-02-04. Review status: criteria provided, single submitter. Criteria: Invitae Variant Classification Sherloc (09022015). Collection method: clinical testing. Allele origin: germline.

CeGaT Center for Human Genetics Tuebingen
Classification: Likely benign. Last evaluated: 2025-10-01. Review status: criteria provided, single submitter. Criteria: CeGaT Center For Human Genetics Tuebingen Variant Classification Criteria Version 2. Collection method: clinical testing. Allele origin: germline. Affected: yes. Observed: 2 variant alleles.
Comment: CTNNA1: BP4, BP7

Myriad Genetics, Inc.
Classification: Benign for Hereditary diffuse gastric adenocarcinoma. Last evaluated: 2024-10-10. Review status: criteria provided, single submitter. Criteria: Myriad Autosomal Dominant, Autosomal Recessive and X-Linked Classification Criteria (2023). Collection method: clinical testing. Allele origin: unknown.
Comment: This variant is considered benign. This variant is a silent/synonymous amino acid change and it is not expected to impact splicing.

Blueprint Genetics
Classification: Likely benign. Last evaluated: 2024-10-03. Review status: criteria provided, single submitter. Criteria: ACMG Guidelines, 2015. Collection method: clinical testing. Allele origin: germline.

Department of Pathology and Laboratory Medicine, Sinai Health System
Classification: Likely benign for hereditary nonpolyposis colon cancer. Last evaluated: 2023-05-31. Review status: criteria provided, single submitter. Criteria: ACMG Guidelines, 2015. Collection method: clinical testing. Allele origin: germline. Affected: yes.

Ambry Genetics
Classification: Benign for Hereditary cancer-predisposing syndrome. Last evaluated: 2019-08-16. Review status: criteria provided, single submitter. Criteria: Ambry Variant Classification Scheme 2023. Collection method: clinical testing. Allele origin: germline.